The following is an entry in ClinVar:

NM_001031710.3(KLHL7):c.832G>T (p.Glu278Ter)

Gene: KLHL7 (kelch like family member 7; plus strand). Cytogenetic location: 7p15.3.
Variant type: single nucleotide variant.
Coding change: c.832G>T on transcript NM_001031710.3 (MANE Select); coding-DNA position 832, G replaced by T.
Protein change: p.Glu278Ter; replaces glutamic acid 278 with a stop codon.
Molecular consequence: nonsense. On other transcripts: non-coding transcript variant (1).
Genome position (GRCh38, 1-based): chr7:23,152,105, G>T. VCF-style: chr7-23152105-G-T. GRCh37 (hg19) VCF-style: chr7-23191724-G-T.
Other names: c.688G>T, p.Glu230Ter (NM_018846.5); short protein forms E278*, E230*.
Identifiers: ClinVar variation 1456159 (VCV001456159.6), dbSNP rs1784555118, ClinGen allele CA366979586.
Genomic context (GRCh38, chr7:23,152,105, plus strand): 5'-GTTGCCATGTATTTTACTACAGGTGGAATGAGGTACCATCTACTGTCTCCAGAGGACCGA[G>T]AAGAACTTGTAGATGGCACAAGACCTAGAAGAAAGAAACATGACTACCGCATAGCCCTAT-3'

ClinVar aggregate classification (germline): Pathogenic (1 of 4 stars; one submission).

Allele frequency attached by ClinVar (database versions not stated): TOPMed below 0.00001; gnomAD 0.00001.
gnomAD v4.1: 1 of 1,613,820 alleles (0.000062%); highest among the groups gnomAD compares: Admixed American, 0.0017%; no homozygotes.

Submission:

Labcorp Genetics (formerly Invitae), Labcorp
Classification: Pathogenic. Last evaluated: 2021-04-17. Review status: criteria provided, single submitter. Criteria: Invitae Variant Classification Sherloc (09022015). Collection method: clinical testing. Allele origin: germline.
Comment: For these reasons, this variant has been classified as Pathogenic. This variant has not been reported in the literature in individuals with KLHL7-related conditions. This variant is not present in population databases (ExAC no frequency). This sequence change creates a premature translational stop signal (p.Glu278*) in the KLHL7 gene. It is expected to result in an absent or disrupted protein product. Loss-of-function variants in KLHL7 are known to be pathogenic (PMID: 27392078, 29074562, 30426380, 31953236).

Literature cited by the submitters: PubMed 27392078; PubMed 29074562; PubMed 30426380; PubMed 31953236.